The following is an entry in ClinVar:

NM_000541.5(SAG):c.222G>C (p.Glu74Asp)

Gene: SAG (S-antigen visual arrestin; plus strand). Cytogenetic location: 2q37.1.
Variant type: single nucleotide variant.
Coding change: c.222G>C on transcript NM_000541.5 (MANE Select); coding-DNA position 222, G replaced by C.
Protein change: p.Glu74Asp; replaces glutamic acid 74 with aspartic acid.
Molecular consequence: missense variant.
Genome position (GRCh38, 1-based): chr2:233,320,670, G>C. VCF-style: chr2-233320670-G-C. GRCh37 (hg19) VCF-style: chr2-234229316-G-C.
Other names: short protein forms E74D.
Identifiers: ClinVar variation 1503083 (VCV001503083.6), dbSNP rs1425754052, ClinGen allele CA351046202.

ClinVar aggregate classification (germline): Uncertain significance (1 of 4 stars; one submission).

Allele frequency attached by ClinVar (database versions not stated): gnomAD 0.00001.
gnomAD v4.1: 2 of 1,606,762 alleles (0.00012%); highest among the groups gnomAD compares: African/African-American, 0.0013%; no homozygotes.

Submission:

Labcorp Genetics (formerly Invitae), Labcorp
Classification: Uncertain significance. Last evaluated: 2021-11-11. Review status: criteria provided, single submitter. Criteria: Invitae Variant Classification Sherloc (09022015). Collection method: clinical testing. Allele origin: germline.
Comment: In summary, the available evidence is currently insufficient to determine the role of this variant in disease. Therefore, it has been classified as a Variant of Uncertain Significance. Algorithms developed to predict the effect of missense changes on protein structure and function output the following: SIFT: "Tolerated"; PolyPhen-2: "Benign"; Align-GVGD: "Class C0". The aspartic acid amino acid residue is found in multiple mammalian species, which suggests that this missense change does not adversely affect protein function. This variant has not been reported in the literature in individuals affected with SAG-related conditions. This variant is present in population databases (no rsID available, gnomAD 0.01%). This sequence change replaces glutamic acid, which is acidic and polar, with aspartic acid, which is acidic and polar, at codon 74 of the SAG protein (p.Glu74Asp).